The following is an entry in ClinVar:

ClinVar aggregate classification (germline): Uncertain significance (1 of 4 stars; one submission).

gnomAD v4.1: 3 of 1,611,824 alleles (0.00019%); highest among the groups gnomAD compares: Non-Finnish European, 0.00025%; no homozygotes.

Submission:

GeneDx
Classification: Uncertain significance. Last evaluated: 2026-03-23. Review status: criteria provided, single submitter. Criteria: GeneDx Variant Classification Process June 2021. Collection method: clinical testing. Allele origin: germline.
Comment: Not observed at significant frequency in large population cohorts (gnomAD); In silico analysis supports that this missense variant has a deleterious effect on protein structure/function; Reported in published literature in an individual with neurodevelopmental disorder, but neither segregation nor detailed clinical information was provided (PMID: 33004838); This variant is associated with the following publications: (PMID: 33004838)

NM_138792.4(LEO1):c.959A>G (p.Asp320Gly)

Gene: LEO1 (LEO1 component of Paf1/RNA polymerase II complex; minus strand). Cytogenetic location: 15q21.2.
Variant type: single nucleotide variant.
Coding change: c.959A>G on transcript NM_138792.4 (MANE Select); coding-DNA position 959, A replaced by G.
Protein change: p.Asp320Gly; replaces aspartic acid 320 with glycine.
Molecular consequence: missense variant.
Genome position (GRCh38, 1-based): chr15:51,960,694, T>C on the plus strand (A>G on the coding strand, the complement: LEO1 is on the minus strand). VCF-style: chr15-51960694-T-C. GRCh37 (hg19) VCF-style: chr15-52252891-T-C.
Other names: c.959A>G, p.Asp320Gly (NM_001286430.2, NM_001323903.2, NM_001323904.2 and 2 more transcripts); short protein forms D320G.
Identifiers: ClinVar variation 5016753 (VCV005016753.1).